The following is an entry in ClinVar:

ClinVar aggregate classification (germline): Uncertain significance (1 of 4 stars; one submission).

Allele frequency attached by ClinVar (database versions not stated): gnomAD 0.00001.

Submission:

Labcorp Genetics (formerly Invitae), Labcorp
Classification: Uncertain significance. Last evaluated: 2023-03-31. Review status: criteria provided, single submitter. Criteria: Invitae Variant Classification Sherloc (09022015). Collection method: clinical testing. Allele origin: germline.
Comment: This sequence change replaces isoleucine, which is neutral and non-polar, with threonine, which is neutral and polar, at codon 1033 of the POLE protein (p.Ile1033Thr). This variant is not present in population databases (gnomAD no frequency). This variant has not been reported in the literature in individuals affected with POLE-related conditions. Advanced modeling of protein sequence and biophysical properties (such as structural, functional, and spatial information, amino acid conservation, physicochemical variation, residue mobility, and thermodynamic stability) performed at Invitae indicates that this missense variant is expected to disrupt POLE protein function. In summary, the available evidence is currently insufficient to determine the role of this variant in disease. Therefore, it has been classified as a Variant of Uncertain Significance.

NM_006231.4(POLE):c.3098T>C (p.Ile1033Thr)

Gene: POLE (DNA polymerase epsilon, catalytic subunit; minus strand). Cytogenetic location: 12q24.33.
Variant type: single nucleotide variant.
Coding change: c.3098T>C on transcript NM_006231.4 (MANE Select); coding-DNA position 3098, T replaced by C.
Protein change: p.Ile1033Thr; replaces isoleucine 1033 with threonine.
Molecular consequence: missense variant.
Genome position (GRCh38, 1-based): chr12:132,659,472, A>G on the plus strand (T>C on the coding strand, the complement: POLE is on the minus strand). VCF-style: chr12-132659472-A-G. GRCh37 (hg19) VCF-style: chr12-133236058-A-G.
Other names: short protein forms I1033T.
Identifiers: ClinVar variation 2788310 (VCV002788310.3), dbSNP rs2042631686, ClinGen allele CA387391722.